The following is an entry in ClinVar:

ClinVar aggregate classification (germline): Uncertain significance (1 of 4 stars; one submission).

Submission:

Women's Health and Genetics/Laboratory Corporation of America, LabCorp
Classification: Uncertain significance. Last evaluated: 2024-06-13. Review status: criteria provided, single submitter. Criteria: LabCorp Variant Classification Summary - May 2015. Collection method: clinical testing. Allele origin: germline.
Comment: Variant summary: APOB c.13477dupC (p.Gln4493ProfsX4) results in a premature termination codon, predicted to cause a truncation of the encoded protein, but no downtream pathogenic variants have been reported. The variant was absent in 250308 control chromosomes. The available data on variant occurrences in the general population are insufficient to allow any conclusion about variant significance. To our knowledge, no occurrence of c.13477dupC in individuals affected with Early Onset Coronary Artery Disease and no experimental evidence demonstrating its impact on protein function have been reported. No submitters have cited clinical-significance assessments for this variant to ClinVar. Based on the evidence outlined above, the variant was classified as uncertain significance.

NM_000384.3(APOB):c.13477dup (p.Gln4493fs)

Gene: APOB (apolipoprotein B; minus strand). Cytogenetic location: 2p24.1.
Variant type: Duplication.
Coding change: c.13477dup on transcript NM_000384.3 (MANE Select); coding-DNA position 13477, one base duplicated (C; older notation c.13477dupC).
Protein change: p.Gln4493fs; shifts the reading frame from glutamine 4493.
Molecular consequence: frameshift variant.
Genome position (GRCh38, 1-based): chr2:21,001,945, G duplicated on the plus strand (C on the coding strand, the reverse complement: APOB is on the minus strand); the first of 2 consecutive G bases (chr2:21,001,945-21,001,946); duplicating either gives the same sequence. VCF-style (leftmost placement, unchanged base first): chr2-21001944-T-TG. GRCh37 (hg19) VCF-style: chr2-21224816-T-TG.
Other names: c.13477dupC (NM_000384.3); short protein forms Q4493fs.
Identifiers: ClinVar variation 3339551 (VCV003339551.1).